The following is an entry in ClinVar:

ClinVar aggregate classification (germline): Uncertain significance. Review status: criteria provided, multiple submitters, no conflicts (2 of 4 stars). 2 submissions from 2 submitters: Uncertain significance (2). Last evaluated 2022-08-05.

Allele frequency attached by ClinVar (database versions not stated): gnomAD exomes below 0.00001.

Submissions (2):

Labcorp Genetics (formerly Invitae), Labcorp
Classification: Uncertain significance. Last evaluated: 2022-08-05. Review status: criteria provided, single submitter. Criteria: Invitae Variant Classification Sherloc (09022015). Collection method: clinical testing. Allele origin: germline.
Comment: This variant has not been reported in the literature in individuals affected with IFT43-related conditions. In summary, the available evidence is currently insufficient to determine the role of this variant in disease. Therefore, it has been classified as a Variant of Uncertain Significance. Algorithms developed to predict the effect of missense changes on protein structure and function (SIFT, PolyPhen-2, Align-GVGD) all suggest that this variant is likely to be disruptive. This variant is not present in population databases (gnomAD no frequency). This sequence change replaces proline, which is neutral and non-polar, with serine, which is neutral and polar, at codon 127 of the IFT43 protein (p.Pro127Ser).

GeneDx
Classification: Uncertain significance. Last evaluated: 2022-03-24. Review status: criteria provided, single submitter. Criteria: GeneDx Variant Classification Process June 2021. Collection method: clinical testing. Allele origin: germline. Affected: yes.
Comment: Not observed at significant frequency in large population cohorts (gnomAD); In silico analysis supports that this missense variant has a deleterious effect on protein structure/function; Has not been previously published as pathogenic or benign to our knowledge; Also known as p.(P122S)

NM_001102564.3(IFT43):c.364C>T (p.Pro122Ser)

Gene: IFT43 (intraflagellar transport 43; plus strand). Cytogenetic location: 14q24.3.
Variant type: single nucleotide variant.
Coding change: c.364C>T on transcript NM_001102564.3 (MANE Select); coding-DNA position 364, C replaced by T.
Protein change: p.Pro122Ser; replaces proline 122 with serine.
Molecular consequence: missense variant. On other transcripts: non-coding transcript variant (2).
Genome position (GRCh38, 1-based): chr14:76,082,363, C>T. VCF-style: chr14-76082363-C-T. GRCh37 (hg19) VCF-style: chr14-76548706-C-T.
Other names: c.379C>T, p.Pro127Ser (NM_052873.3); short protein forms P122S, P127S.
Identifiers: ClinVar variation 1707309 (VCV001707309.7), dbSNP rs2503037305, ClinGen allele CA390474062.